The following is an entry in ClinVar:

NM_001551.3(IGBP1):c.5C>G (p.Ala2Gly)

Genes: IGBP1 (immunoglobulin binding protein 1; plus strand), LOC130068396 (ATAC-STARR-seq lymphoblastoid active region 29728; plus strand). Cytogenetic location: Xq13.1.
Variant type: single nucleotide variant.
Coding change: c.5C>G on transcript NM_001551.3 (MANE Select); coding-DNA position 5, C replaced by G.
Protein change: p.Ala2Gly; replaces alanine 2 with glycine.
Molecular consequence: missense variant.
Genome position (GRCh38, 1-based): chrX:70,133,952, C>G. VCF-style: chrX-70133952-C-G. GRCh37 (hg19) VCF-style: chrX-69353802-C-G.
Other names: c.5C>G, p.Ala2Gly (NM_001370192.1, NM_001370193.1, NM_001370194.1); short protein forms A2G.
Identifiers: ClinVar variation 1299453 (VCV001299453.4), dbSNP rs2147562828, ClinGen allele CA413449012.
Genomic context (GRCh38, chrX:70,133,952, plus strand): 5'-ATCAAGGTTGCCTTTGACCCCGGAAAAGAGATCTTCCGGGTTCCTCTCTCCCCAAGATGG[C>G]TGCTGAGGACGAGTTACAGCTGCCGCGGCTCCCCGAGCTGTTCGAAACTGGTAGACAGTT-3'
Protein context (NP_001542.1, residues 1-12): M[Ala2Gly]AEDELQLPRL

ClinVar aggregate classification (germline): Uncertain significance (1 of 4 stars; one submission).

Submission:

Illumina Laboratory Services, Illumina
Classification: Uncertain significance. Last evaluated: 2017-08-30. Review status: criteria provided, single submitter. Criteria: ICSLVariantClassificationCriteria RUGD 01 April 2020. Collection method: clinical testing. Allele origin: unknown.
Comment: The IGBP1 c.5C>G (p.Ala2Gly) variant is a missense variant. A literature search was performed for the gene, cDNA change, and amino acid change. No publications were found based on this search. This variant is not found in the Genome Aggregation Database despite its location in a region of good sequencing coverage, which suggests the variant is rare. Based on the available information, the p.Ala2Gly variant is classified as a variant of uncertain significance.